The following is an entry in ClinVar:

NM_000540.3(RYR1):c.8807C>G (p.Ala2936Gly)

Gene: RYR1 (ryanodine receptor 1; plus strand). Cytogenetic location: 19q13.2.
Variant type: single nucleotide variant.
Coding change: c.8807C>G on transcript NM_000540.3 (MANE Select); coding-DNA position 8807, C replaced by G.
Protein change: p.Ala2936Gly; replaces alanine 2936 with glycine.
Molecular consequence: missense variant.
Genome position (GRCh38, 1-based): chr19:38,506,943, C>G. VCF-style: chr19-38506943-C-G. GRCh37 (hg19) VCF-style: chr19-38997583-C-G.
Other names: c.8807C>G, p.Ala2936Gly (NM_001042723.2); short protein forms A2936G.
Identifiers: ClinVar variation 5028619 (VCV005028619.1).

ClinVar aggregate classification (germline): Uncertain significance (1 of 4 stars; one submission).

Conditions:
Inborn genetic diseases. Identifiers: MedGen C0950123, MeSH D030342.

gnomAD v4.1: 1 of 1,612,626 alleles (0.000062%); highest among the groups gnomAD compares: Non-Finnish European, 0.000085%; no homozygotes.

Submission:

Ambry Genetics
Classification: Uncertain significance for Inborn genetic diseases. Last evaluated: 2026-07-02. Review status: criteria provided, single submitter. Criteria: Ambry Variant Classification Scheme 2023. Collection method: clinical testing. Allele origin: germline.
Comment: The p.A2936G variant (also known as c.8807C>G), located in coding exon 57 of the RYR1 gene, results from a C to G substitution at nucleotide position 8807. The alanine at codon 2936 is replaced by glycine, an amino acid with similar properties. This amino acid position is conserved. In addition, the in silico prediction for this alteration is inconclusive. Based on the available evidence, the clinical significance of this variant remains unclear.